The following is an entry in ClinVar:

NM_007194.4(CHEK2):c.720_736del (p.Arg240fs)

Gene: CHEK2 (checkpoint kinase 2; minus strand). Cytogenetic location: 22q12.1.
Variant type: Deletion.
Coding change: c.720_736del on transcript NM_007194.4 (MANE Select); coding-DNA positions 720 to 736, 17 bases deleted (GAAAACATGTAAGAAAG).
Protein change: p.Arg240fs; shifts the reading frame from arginine 240.
Molecular consequence: frameshift variant.
Genome position (GRCh38, 1-based): chr22:28,711,965-28,711,981, CTTTCTTACATGTTTTC deleted on the plus strand (GAAAACATGTAAGAAAG on the coding strand, the reverse complement: CHEK2 is on the minus strand); deleting any 17 consecutive bases within chr22:28,711,965-28,711,983 gives the same sequence; the c. name uses the placement nearest the transcript's 3' end. VCF-style (leftmost placement, unchanged base first): chr22-28711964-ACTTTCTTACATGTTTTC-A. GRCh37 (hg19) VCF-style: chr22-29107952-ACTTTCTTACATGTTTTC-A.
Other names: c.847_863del17, p.Arg283Serfs (NM_001005735.3); c.55_71del17, p.Arg19Serfs (NM_001257387.3); c.517_533del17, p.Arg173Serfs (NM_001349956.3); c.718_734del17, p.Arg240Serfs (NM_145862.3); short protein forms R173fs, R19fs, R240fs, R283fs.
Identifiers: ClinVar variation 2109915 (VCV002109915.4), dbSNP rs2517961812, ClinGen allele CA2580099682.

ClinVar aggregate classification (germline): Pathogenic (1 of 4 stars; one submission).

Conditions:
Familial cancer of breast. Also called: hereditary breast carcinoma; BREAST CANCER, FAMILIAL; Hereditary breast cancer. Identifiers: Orphanet 227535, MedGen C0346153, MONDO:0016419, OMIM 114480. Disease mechanism: loss of function.

Submission:

Labcorp Genetics (formerly Invitae), Labcorp
Classification: Pathogenic for Familial cancer of breast. Last evaluated: 2022-03-12. Review status: criteria provided, single submitter. Criteria: Invitae Variant Classification Sherloc (09022015). Collection method: clinical testing. Allele origin: germline.
Comment: This sequence change creates a premature translational stop signal (p.Arg240Serfs*26) in the CHEK2 gene. It is expected to result in an absent or disrupted protein product. Loss-of-function variants in CHEK2 are known to be pathogenic (PMID: 21876083, 24713400). This variant is not present in population databases (gnomAD no frequency). This variant has not been reported in the literature in individuals affected with CHEK2-related conditions. For these reasons, this variant has been classified as Pathogenic.

Literature cited by the submitters: PubMed 21876083; PubMed 24713400.